The following is an entry in ClinVar:

ClinVar aggregate classification (germline): Uncertain significance (1 of 4 stars; one submission).

gnomAD v4.1: 2 of 1,614,190 alleles (0.00012%); highest among the groups gnomAD compares: Non-Finnish European, 0.00017%; no homozygotes.

Submission:

Labcorp Genetics (formerly Invitae), Labcorp
Classification: Uncertain significance. Last evaluated: 2022-10-10. Review status: criteria provided, single submitter. Criteria: Invitae Variant Classification Sherloc (09022015). Collection method: clinical testing. Allele origin: germline.
Comment: In summary, the available evidence is currently insufficient to determine the role of this variant in disease. Therefore, it has been classified as a Variant of Uncertain Significance. Advanced modeling of protein sequence and biophysical properties (such as structural, functional, and spatial information, amino acid conservation, physicochemical variation, residue mobility, and thermodynamic stability) performed at Invitae indicates that this missense variant is not expected to disrupt POLE protein function. ClinVar contains an entry for this variant (Variation ID: 852595). This variant has not been reported in the literature in individuals affected with POLE-related conditions. This variant is not present in population databases (gnomAD no frequency). This sequence change replaces leucine, which is neutral and non-polar, with valine, which is neutral and non-polar, at codon 582 of the POLE protein (p.Leu582Val).

NM_006231.4(POLE):c.1744C>G (p.Leu582Val)

Gene: POLE (DNA polymerase epsilon, catalytic subunit; minus strand). Cytogenetic location: 12q24.33.
Variant type: single nucleotide variant.
Coding change: c.1744C>G on transcript NM_006231.4 (MANE Select); coding-DNA position 1744, C replaced by G.
Protein change: p.Leu582Val; replaces leucine 582 with valine.
Molecular consequence: missense variant.
Genome position (GRCh38, 1-based): chr12:132,672,265, G>C on the plus strand (C>G on the coding strand, the complement: POLE is on the minus strand). VCF-style: chr12-132672265-G-C. GRCh37 (hg19) VCF-style: chr12-133248851-G-C.
Other names: short protein forms L582V.
Identifiers: ClinVar variation 852595 (VCV000852595.9), dbSNP rs761273376, ClinGen allele CA387356314.